The following is an entry in ClinVar:

NM_000795.4(DRD2):c.533-545_533-544delinsGG

Gene: DRD2 (dopamine receptor D2; minus strand). Cytogenetic location: 11q23.2.
Variant type: Indel.
Coding change: c.533-545_533-544delinsGG on transcript NM_000795.4 (MANE Select); 545 bases into the intron before coding-DNA position 533 through 544 bases into the intron before coding-DNA position 533, AC replaced by GG.
Molecular consequence: intron variant.
Genome position (GRCh38, 1-based): chr11:113,416,155-113,416,156, GT replaced by CC on the plus strand (AC replaced by GG on the coding strand, the reverse complement: DRD2 is on the minus strand). VCF-style: chr11-113416155-GT-CC. GRCh37 (hg19) VCF-style: chr11-113286877-GT-CC.
Other names: c.533-545_533-544delinsGG (NM_016574.4).
Identifiers: ClinVar variation 1362715 (VCV001362715.6), dbSNP rs2138163819, ClinGen allele CA2573146814.

ClinVar aggregate classification (germline): Uncertain significance (1 of 4 stars; one submission).

Conditions:
Dystonic disorder. Also called: Dystonia. Identifiers: MedGen C0013421, MONDO:0003441, HP:0001332.

Submission:

Labcorp Genetics (formerly Invitae), Labcorp
Classification: Uncertain significance for Dystonic disorder. Last evaluated: 2023-08-15. Review status: criteria provided, single submitter. Criteria: Invitae Variant Classification Sherloc (09022015). Collection method: clinical testing. Allele origin: germline.
Comment: This sequence change falls in intron 4 of the DRD2 gene. It does not directly change the encoded amino acid sequence of the DRD2 protein. Information on the frequency of this variant in the gnomAD database is not available, as this variant may be reported differently in the database. This variant has not been reported in the literature in individuals affected with DRD2-related conditions. ClinVar contains an entry for this variant (Variation ID: 1362715). In summary, the available evidence is currently insufficient to determine the role of this variant in disease. Therefore, it has been classified as a Variant of Uncertain Significance.